The following is an entry in ClinVar:

ClinVar aggregate classification (germline): Pathogenic/Likely pathogenic. Review status: criteria provided, multiple submitters, no conflicts (2 of 4 stars). 5 submissions from 5 submitters: Pathogenic (3); Likely pathogenic (2). Last evaluated 2025-04-25.

Conditions:
Retinitis pigmentosa 39 (RP39). Identifiers: Orphanet 791, MedGen C3151138, MONDO:0013436, OMIM 613809.
Usher syndrome type 2A. Also called: RETINAL DISEASE IN USHER SYNDROME TYPE IIA, MODIFIER OF; USHER SYNDROME, TYPE IIA. Identifiers: Orphanet 231178, Orphanet 886, MedGen C1848634, MONDO:0010169, OMIM 276901.

Allele frequency attached by ClinVar (database versions not stated): gnomAD 0.00001; gnomAD exomes 0.00001.
gnomAD v4.1: 8 of 1,613,890 alleles (0.0005%); highest among the groups gnomAD compares: Admixed American, 0.0033%; no homozygotes.

Submissions (5):

Natera, Inc.
Classification: Pathogenic for Usher syndrome type 2A. Last evaluated: 2025-04-25. Review status: criteria provided, single submitter. Criteria: Natera Variant Classification Schema (03/2026). Collection method: clinical testing. Allele origin: germline.
Comment: The c.14285A>G variant in USH2A is a missense variant predicted to cause substitution of asparagine to serine at amino acid 4762. This variant is rare in the general population with a frequency below the threshold expected for the associated phenotype(s). This variant has been observed in one or more individuals affected with the associated recessive disease, as either homozygous or compound heterozygous with a second variant (PMID: 32100970). Additionally, this variant has been observed to segregate in affected family members (PMID: 32675063). Computational prediction algorithms indicate this variant is likely to affect gene or protein function. Given the available evidence, this variant is classified as Pathogenic.

Genome-Nilou Lab
Classification: Likely pathogenic for Retinitis pigmentosa 39. Last evaluated: 2023-11-04. Review status: criteria provided, single submitter. Criteria: ACMG Guidelines, 2015. Collection method: clinical testing. Allele origin: germline. Affected: no.

Baylor Genetics
Classification: Pathogenic for Retinitis pigmentosa 39. Last evaluated: 2023-08-03. Review status: criteria provided, single submitter. Criteria: ACMG Guidelines, 2015. Collection method: clinical testing. Allele origin: unknown.

Labcorp Genetics (formerly Invitae), Labcorp
Classification: Pathogenic. Last evaluated: 2023-07-16. Review status: criteria provided, single submitter. Criteria: Invitae Variant Classification Sherloc (09022015). Collection method: clinical testing. Allele origin: germline.
Comment: ClinVar contains an entry for this variant (Variation ID: 1065734). This missense change has been observed in individual(s) with retinitis pigmentosa and/or Usher syndrome (PMID: 22135276, 24938718, 29641573, 32100970). In at least one individual the data is consistent with being in trans (on the opposite chromosome) from a pathogenic variant. This variant is present in population databases (no rsID available, gnomAD 0.006%). This sequence change replaces asparagine, which is neutral and polar, with serine, which is neutral and polar, at codon 4762 of the USH2A protein (p.Asn4762Ser). Advanced modeling of protein sequence and biophysical properties (such as structural, functional, and spatial information, amino acid conservation, physicochemical variation, residue mobility, and thermodynamic stability) has been performed at Invitae for this missense variant, however the output from this modeling did not meet the statistical confidence thresholds required to predict the impact of this variant on USH2A protein function. For these reasons, this variant has been classified as Pathogenic. This variant disrupts the p.Asn4762 amino acid residue in USH2A. Other variant(s) that disrupt this residue have been observed in individuals with USH2A-related conditions (PMID: 30073356; Invitae), which suggests that this may be a clinically significant amino acid residue.

Ocular Genomics Institute, Massachusetts Eye and Ear
Classification: Likely pathogenic for Retinitis pigmentosa 39. Last evaluated: 2021-04-08. Review status: criteria provided, single submitter. Criteria: ACMG Guidelines, 2015. Collection method: research. Allele origin: germline. Affected: yes.
Comment: Through a review of available evidence we were able to apply the following criteria: PM2, PM3, PM1. Based on this evidence we have classified this variant as Likely Pathogenic.

Literature cited by the submitters: PubMed 32100970 (cited by 3 submitters); PubMed 32675063 (cited by Natera, Inc.); PubMed 22135276 (cited by Labcorp Genetics (formerly Invitae), Labcorp and Ocular Genomics Institute, Massachusetts Eye and Ear); PubMed 24938718 (cited by Labcorp Genetics (formerly Invitae), Labcorp and Ocular Genomics Institute, Massachusetts Eye and Ear); PubMed 29641573 (cited by Labcorp Genetics (formerly Invitae), Labcorp and Ocular Genomics Institute, Massachusetts Eye and Ear); PubMed 30073356 (cited by Labcorp Genetics (formerly Invitae), Labcorp).

NM_206933.4(USH2A):c.14285A>G (p.Asn4762Ser)

Gene: USH2A (usherin; minus strand). Cytogenetic location: 1q41.
Variant type: single nucleotide variant.
Coding change: c.14285A>G on transcript NM_206933.4 (MANE Select); coding-DNA position 14285, A replaced by G.
Protein change: p.Asn4762Ser; replaces asparagine 4762 with serine.
Molecular consequence: missense variant.
Genome position (GRCh38, 1-based): chr1:215,650,650, T>C on the plus strand (A>G on the coding strand, the complement: USH2A is on the minus strand). VCF-style: chr1-215650650-T-C. GRCh37 (hg19) VCF-style: chr1-215823992-T-C.
Other names: short protein forms N4762S.
Identifiers: ClinVar variation 1065734 (VCV001065734.11), dbSNP rs1254637647, ClinGen allele CA344835160.
Genomic context (GRCh38, chr1:215,650,650, plus strand): 5'-ACCACTGTCTCAGCCCCATGGGCGCTGCTGGAGAACAGCCTGTAGAGACTGACGATCCCG[T>C]TGGGCTTCCCAGGGGCACTGATGTTGACCACTGCTTGGGTAGAAGAGATCACATGGAACG-3'
Protein context (NP_996816.3, residues 4752-4772): VVNISAPGKP[Asn4762Ser]GIVSLYRLFS